The following is an entry in ClinVar:

ClinVar aggregate classification (germline): Uncertain significance. Review status: criteria provided, multiple submitters, no conflicts (2 of 4 stars). 4 submissions from 4 submitters: Uncertain significance (4). Last evaluated 2024-11-10.

Conditions:
Inborn genetic diseases. Identifiers: MedGen C0950123, MeSH D030342.
Joubert syndrome 30. Identifiers: MedGen C4539937, MONDO:0033308, OMIM 617622.

Allele frequency attached by ClinVar (database versions not stated): TOPMed 0.00004; gnomAD exomes 0.00005; ExAC 0.00006.
gnomAD v4.1: 80 of 1,613,880 alleles (0.005%); highest among the groups gnomAD compares: Middle Eastern, 0.016%; no homozygotes.

Submissions (4):

Ambry Genetics
Classification: Uncertain significance for Inborn genetic diseases. Last evaluated: 2024-11-10. Review status: criteria provided, single submitter. Criteria: Ambry Variant Classification Scheme 2023. Collection method: clinical testing. Allele origin: germline.

Blueprint Genetics
Classification: Uncertain significance. Last evaluated: 2024-07-05. Review status: criteria provided, single submitter. Criteria: ACMG Guidelines, 2015. Collection method: clinical testing. Allele origin: germline.

Labcorp Genetics (formerly Invitae), Labcorp
Classification: Uncertain significance. Last evaluated: 2022-11-01. Review status: criteria provided, single submitter. Criteria: Invitae Variant Classification Sherloc (09022015). Collection method: clinical testing. Allele origin: germline.
Comment: In summary, the available evidence is currently insufficient to determine the role of this variant in disease. Therefore, it has been classified as a Variant of Uncertain Significance. Experimental studies and prediction algorithms are not available or were not evaluated, and the functional significance of this variant is currently unknown. ClinVar contains an entry for this variant (Variation ID: 1061811). This variant has not been reported in the literature in individuals affected with ARMC9-related conditions. This variant is present in population databases (rs570002180, gnomAD 0.008%). This sequence change replaces arginine, which is basic and polar, with glutamine, which is neutral and polar, at codon 636 of the ARMC9 protein (p.Arg636Gln).

Victorian Clinical Genetics Services, Murdoch Childrens Research Institute
Classification: Uncertain significance for Joubert syndrome 30. Last evaluated: 2019-08-28. Review status: criteria provided, single submitter. Criteria: ACMG Guidelines, 2015. Collection method: clinical testing. Allele origin: germline. Inheritance: Autosomal recessive inheritance.
Comment: A heterozygous missense variant, NM_001271466.3(ARMC9):c.1907G>A, has been identified in exon 21 of 25 of the ARMC9 gene. The variant is predicted to result in a minor amino acid change from arginine to glutamine at position 636 of the protein (NP_001258395.1(ARMC9):p.(Arg636Gln)). The arginine residue at this position has moderate conservation (100 vertebrates, UCSC), but is not located within a well established functional domain. In silico predictions of pathogenicity for this variant are conflicting (Polyphen, SIFT, CADD, Mutation Taster). The variant is present in the gnomAD database at a frequency of 0.004% (14 heterozygotes, 0 homozygotes). An alternative residue change has been reported in the gnomAD database at a frequency of 0.2% (670 heterozygotes, 1 homozygotes). This variant has not been previously reported in clinical cases. Based on the information available at the time of curation, this variant has been classified as a VARIANT of UNCERTAIN SIGNIFICANCE (VUS).

NM_001352754.2(ARMC9):c.1907G>A (p.Arg636Gln)

Gene: ARMC9 (armadillo repeat containing 9; plus strand). Cytogenetic location: 2q37.1.
Variant type: single nucleotide variant.
Coding change: c.1907G>A on transcript NM_001352754.2 (MANE Select); coding-DNA position 1907, G replaced by A.
Protein change: p.Arg636Gln; replaces arginine 636 with glutamine.
Molecular consequence: missense variant. On other transcripts: non-coding transcript variant (1).
Genome position (GRCh38, 1-based): chr2:231,345,003, G>A. VCF-style: chr2-231345003-G-A. GRCh37 (hg19) VCF-style: chr2-232209715-G-A.
Other names: c.1907G>A (NM_025139.3); c.1907G>A, p.Arg636Gln (NM_001271466.4, NM_001291656.2, NM_001352755.2 and 2 more transcripts); c.1808G>A, p.Arg603Gln (NM_001352757.2, NM_001352758.2); c.1802G>A, p.Arg601Gln (NM_001352759.2); short protein forms R601Q, R603Q, R636Q.
Identifiers: ClinVar variation 1061811 (VCV001061811.9), dbSNP rs570002180, ClinGen allele CA2160542.